The following is an entry in ClinVar:

NM_002047.4(GARS1):c.2095-6C>T

Gene: GARS1 (glycyl-tRNA synthetase 1; plus strand). Cytogenetic location: 7p14.3.
Variant type: single nucleotide variant.
Coding change: c.2095-6C>T on transcript NM_002047.4 (MANE Select); 6 bases into the intron before coding-DNA position 2095, C replaced by T.
Molecular consequence: intron variant.
Genome position (GRCh38, 1-based): chr7:30,633,729, C>T. VCF-style: chr7-30633729-C-T. GRCh37 (hg19) VCF-style: chr7-30673345-C-T.
Other names: c.2095-6C>T (LRG_243t1); c.1933-6C>T (NM_001316772.1).
Identifiers: ClinVar variation 258536 (VCV000258536.30), dbSNP rs2240401, ClinGen allele CA4206165.

ClinVar aggregate classification (germline): Benign. Review status: criteria provided, multiple submitters, no conflicts (2 of 4 stars). 15 submissions from 11 submitters: Benign (11). 4 of the submissions do not count toward it. Last evaluated 2026-02-04.

Conditions:
Spinal muscular atrophy, infantile, James type. Also called: GARS1 Infantile-Onset Spinal Muscular Atrophy (GARS1-iSMA). Identifiers: MedGen C5436669, MONDO:0033621, OMIM 619042.
Distal spinal muscular atrophy. Also called: Distal hereditary motor neuronopathy; Distal hereditary motor neuropathy. Identifiers: Orphanet 53739, MedGen C0393541, MONDO:0018894.
Charcot-Marie-Tooth disease. Also called: Charcot-Marie-Tooth Neuropathy; Charcot-Marie-Tooth Hereditary Neuropathy. Identifiers: Orphanet 166, MedGen C0007959, MONDO:0015626.
Charcot-Marie-Tooth disease type 2. Also called: Charcot-Marie-Tooth type 2. Identifiers: Orphanet 64746, MedGen C0270914, MONDO:0018993.
Charcot-Marie-Tooth disease type 2D (CMT2D). Also called: CHARCOT-MARIE-TOOTH DISEASE, AXONAL, TYPE 2D; CHARCOT-MARIE-TOOTH DISEASE, NEURONAL, TYPE 2D; Charcot-Marie-Tooth Neuropathy Type 2D; GARS1 Adolescent- or Early Adult-Onset Hereditary Motor/Sensory Neuropathy (GARS1-HMSN). Identifiers: Orphanet 99938, MedGen C1832274, MONDO:0011091, OMIM 601472.
Neuronopathy, distal hereditary motor, type 5A (HMND5). Also called: DHMN VA; Distal Spinal Muscular Atrophy V; NEURONOPATHY, DISTAL HEREDITARY MOTOR, AUTOSOMAL DOMINANT 5; Distal Spinal Muscular Atrophy V (dSMA-V). Identifiers: Orphanet 139536, MedGen CN031873, MONDO:0015353, OMIM 600794.

Allele frequency attached by ClinVar (database versions not stated): 1000 Genomes Project 30x 0.39538; 1000 Genomes Project 0.40415; TOPMed 0.46550; gnomAD 0.48477 and 0.48575; ESP Exome Variant Server 0.48979; ExAC 0.55254; gnomAD exomes 0.56043 and 0.61420.
gnomAD v4.1: 968,839 of 1,612,332 alleles (60%); highest among the groups gnomAD compares: Non-Finnish European, 65%; 303,617 homozygotes.

Submissions (15):

Labcorp Genetics (formerly Invitae), Labcorp
Classification: Benign for Charcot-Marie-Tooth disease type 2. Last evaluated: 2026-02-04. Review status: criteria provided, single submitter. Criteria: Invitae Variant Classification Sherloc (09022015). Collection method: clinical testing. Allele origin: germline.

Genome-Nilou Lab
Classification: Benign for Charcot-Marie-Tooth disease type 2D. Last evaluated: 2021-08-10. Review status: criteria provided, single submitter. Criteria: ACMG Guidelines, 2015. Collection method: clinical testing. Allele origin: germline. Affected: no.

Genome-Nilou Lab
Classification: Benign for Neuronopathy, distal hereditary motor, type 5A. Last evaluated: 2021-08-10. Review status: criteria provided, single submitter. Criteria: ACMG Guidelines, 2015. Collection method: clinical testing. Allele origin: germline. Affected: no.

Genome-Nilou Lab
Classification: Benign for Spinal muscular atrophy, infantile, James type. Last evaluated: 2021-08-10. Review status: criteria provided, single submitter. Criteria: ACMG Guidelines, 2015. Collection method: clinical testing. Allele origin: germline. Affected: no.

Athena Diagnostics
Classification: Benign. Last evaluated: 2021-05-03. Review status: criteria provided, single submitter. Criteria: Athena Diagnostics criteria. Collection method: clinical testing. Allele origin: unknown.

Illumina Laboratory Services, Illumina
Classification: Benign for Distal Spinal Muscular Atrophy. Last evaluated: 2018-01-13. Review status: criteria provided, single submitter. Criteria: ICSL Variant Classification Criteria 13 December 2019. Collection method: clinical testing. Allele origin: germline.
Comment: This variant was observed in the ICSL laboratory as part of a predisposition screen in an ostensibly healthy population. It had not been previously curated by ICSL or reported in the Human Gene Mutation Database (HGMD: prior to June 1st, 2018), and was therefore a candidate for classification through an automated scoring system. Utilizing variant allele frequency, disease prevalence and penetrance estimates, and inheritance mode, an automated score was calculated to assess if this variant is too frequent to cause the disease. Based on the score and internal cut-off values, a variant classified as benign is not then subjected to further curation. The score for this variant resulted in a classification of benign for this disease.

Illumina Laboratory Services, Illumina
Classification: Benign for Distal hereditary motor neuronopathy type 5. Last evaluated: 2018-01-13. Review status: criteria provided, single submitter. Criteria: ICSL Variant Classification Criteria 13 December 2019. Collection method: clinical testing. Allele origin: germline.
Comment: the same text as in the submission from Illumina Laboratory Services, Illumina above.

Illumina Laboratory Services, Illumina
Classification: Benign for Charcot-Marie-Tooth disease type 2D. Last evaluated: 2018-01-13. Review status: criteria provided, single submitter. Criteria: ICSL Variant Classification Criteria 13 December 2019. Collection method: clinical testing. Allele origin: germline.
Comment: the same text as in the submission from Illumina Laboratory Services, Illumina above.

GeneDx
Classification: Benign. Last evaluated: 2015-03-03. Review status: criteria provided, single submitter. Criteria: GeneDx Variant Classification Process June 2021. Collection method: clinical testing. Allele origin: germline. Affected: yes.

Molecular Genetics Laboratory, London Health Sciences Centre
Classification: Benign for Charcot-Marie-Tooth disease. Review status: criteria provided, single submitter. Criteria: ACMG Guidelines, 2015. Collection method: clinical testing. Allele origin: germline. Affected: yes.

PreventionGenetics, part of Exact Sciences
Classification: Benign. Review status: criteria provided, single submitter. Criteria: ACMG Guidelines, 2015. Collection method: clinical testing. Allele origin: germline.

Mayo Clinic Laboratories, Mayo Clinic
Classification: Benign. Last evaluated: 2016-02-15. Review status: no assertion criteria provided. Collection method: clinical testing. Allele origin: unknown. Not counted in ClinVar's aggregate classification.

Clinical Genetics, Academic Medical Center
Classification: Benign. Review status: no assertion criteria provided. Collection method: clinical testing. Allele origin: germline. Affected: yes. Study: VKGL Data-share Consensus. Not counted in ClinVar's aggregate classification.

Diagnostic Laboratory, Department of Genetics, University Medical Center Groningen
Classification: Benign. Review status: no assertion criteria provided. Collection method: clinical testing. Allele origin: germline. Affected: yes. Study: VKGL Data-share Consensus. Not counted in ClinVar's aggregate classification.

Joint Genome Diagnostic Labs from Nijmegen and Maastricht, Radboudumc and MUMC+
Classification: Benign. Review status: no assertion criteria provided. Collection method: clinical testing. Allele origin: germline. Affected: yes. Study: VKGL Data-share Consensus. Not counted in ClinVar's aggregate classification.